The following is an entry in ClinVar:

NM_024642.5(GALNT12):c.1551C>T (p.Ile517=)

Gene: GALNT12 (polypeptide N-acetylgalactosaminyltransferase 12; plus strand). Cytogenetic location: 9q22.33.
Variant type: single nucleotide variant.
Coding change: c.1551C>T on transcript NM_024642.5 (MANE Select); coding-DNA position 1551, C replaced by T.
Protein change: p.Ile517=; no amino-acid change (isoleucine 517 retained).
Molecular consequence: synonymous variant.
Genome position (GRCh38, 1-based): chr9:98,846,069, C>T. VCF-style: chr9-98846069-C-T. GRCh37 (hg19) VCF-style: chr9-101608351-C-T.
Identifiers: ClinVar variation 241509 (VCV000241509.18), dbSNP rs878855094, ClinGen allele CA10582694.

ClinVar aggregate classification (germline): Benign/Likely benign. Review status: criteria provided, multiple submitters, no conflicts (2 of 4 stars). 4 submissions from 4 submitters: Benign (1); Likely benign (3). Last evaluated 2026-04-27.

Conditions:
Colorectal cancer, susceptibility to, 1. Also called: COLORECTAL ADENOMA AND CANCER, SUSCEPTIBILITY TO; COLORECTAL CANCER, SUSCEPTIBILITY TO, ON CHROMOSOME 9. Identifiers: MedGen C1837315, MONDO:0012132, OMIM 608812.

Allele frequency attached by ClinVar (database versions not stated): gnomAD exomes below 0.00001 and 0.00001; gnomAD 0.00004; TOPMed 0.00014.
gnomAD v4.1: 14 of 1,614,088 alleles (0.00087%); highest among the groups gnomAD compares: Admixed American, 0.015%; no homozygotes.

Submissions (4):

Myriad Genetics, Inc.
Classification: Benign for Colorectal cancer, susceptibility to, 1. Last evaluated: 2026-04-27. Review status: criteria provided, single submitter. Criteria: Myriad Autosomal Dominant, Autosomal Recessive and X-Linked Classification Criteria (2023). Collection method: clinical testing. Allele origin: unknown.
Comment: This variant is considered benign. This variant is a silent/synonymous amino acid change and it is not expected to impact splicing.

Quest Diagnostics Nichols Institute San Juan Capistrano
Classification: Likely benign. Last evaluated: 2023-08-24. Review status: criteria provided, single submitter. Criteria: Quest Diagnostics criteria. Collection method: clinical testing. Allele origin: unknown.

Labcorp Genetics (formerly Invitae), Labcorp
Classification: Likely benign. Last evaluated: 2023-05-18. Review status: criteria provided, single submitter. Criteria: Invitae Variant Classification Sherloc (09022015). Collection method: clinical testing. Allele origin: germline.

Ambry Genetics
Classification: Likely benign. Last evaluated: 2019-06-28. Review status: criteria provided, single submitter. Criteria: Ambry Variant Classification Scheme 2023. Collection method: clinical testing. Allele origin: germline.